The following is an entry in ClinVar:

NM_000342.4(SLC4A1):c.1201T>C (p.Phe401Leu)

Gene: SLC4A1 (solute carrier family 4 member 1 (Diego blood group); minus strand). Cytogenetic location: 17q21.31.
Variant type: single nucleotide variant.
Coding change: c.1201T>C on transcript NM_000342.4 (MANE Select); coding-DNA position 1201, T replaced by C.
Protein change: p.Phe401Leu; replaces phenylalanine 401 with leucine.
Molecular consequence: missense variant.
Genome position (GRCh38, 1-based): chr17:44,258,067, A>G on the plus strand (T>C on the coding strand, the complement: SLC4A1 is on the minus strand). VCF-style: chr17-44258067-A-G. GRCh37 (hg19) VCF-style: chr17-42335435-A-G.
Other names: short protein forms F401L.
Identifiers: ClinVar variation 1910482 (VCV001910482.6), dbSNP rs1261484009, ClinGen allele CA399788206.

ClinVar aggregate classification (germline): Uncertain significance. Review status: criteria provided, multiple submitters, no conflicts (2 of 4 stars). 2 submissions from 2 submitters: Uncertain significance (2). Last evaluated 2024-07-12.

Allele frequency attached by ClinVar (database versions not stated): TOPMed below 0.00001; gnomAD 0.00001; gnomAD exomes 0.00001.
gnomAD v4.1: 12 of 1,613,924 alleles (0.00074%); highest among the groups gnomAD compares: Non-Finnish European, 0.00093%; no homozygotes.

Submissions (2):

ARUP Laboratories, Molecular Genetics and Genomics, ARUP Laboratories
Classification: Uncertain significance. Last evaluated: 2024-07-12. Review status: criteria provided, single submitter. Criteria: ARUP Molecular Germline Variant Investigation Process 2024. Collection method: clinical testing. Allele origin: germline.
Comment: The SLC4A1 c.1201T>C; p.Phe401Leu variant (rs1261484009), to our knowledge, is not reported in the medical literature but is reported in ClinVar (Variation ID: 1910482). This variant is only observed on one allele in the Genome Aggregation Database (v2.1.1), indicating it is not a common polymorphism. Computational analyses predict that this variant is neutral (REVEL: 0.086). Due to limited information, the clinical significance of this variant is uncertain at this time.

Labcorp Genetics (formerly Invitae), Labcorp
Classification: Uncertain significance. Last evaluated: 2022-04-17. Review status: criteria provided, single submitter. Criteria: Invitae Variant Classification Sherloc (09022015). Collection method: clinical testing. Allele origin: germline.
Comment: In summary, the available evidence is currently insufficient to determine the role of this variant in disease. Therefore, it has been classified as a Variant of Uncertain Significance. Algorithms developed to predict the effect of missense changes on protein structure and function output the following: SIFT: "Tolerated"; PolyPhen-2: "Benign"; Align-GVGD: "Class C0". The leucine amino acid residue is found in multiple mammalian species, which suggests that this missense change does not adversely affect protein function. This variant has not been reported in the literature in individuals affected with SLC4A1-related conditions. This variant is present in population databases (no rsID available, gnomAD 0.0009%). This sequence change replaces phenylalanine, which is neutral and non-polar, with leucine, which is neutral and non-polar, at codon 401 of the SLC4A1 protein (p.Phe401Leu).